The following is an entry in ClinVar:

ClinVar aggregate classification (germline): Conflicting classifications of pathogenicity. Review status: criteria provided, conflicting classifications (1 of 4 stars). 2 submissions from 2 submitters: Uncertain significance (1); Likely benign (1). Last evaluated 2024-03-06.

Conditions:
Hereditary cancer-predisposing syndrome. Also called: Hereditary Cancer Syndrome; Neoplastic Syndromes, Hereditary; Hereditary neoplastic syndrome; Tumor predisposition. Identifiers: Orphanet 140162, MedGen C0027672, MeSH D009386, MONDO:0015356.
Hereditary diffuse gastric adenocarcinoma (HDGC). Also called: DIFFUSE GASTRIC AND LOBULAR BREAST CANCER SYNDROME. Identifiers: Orphanet 26106, MedGen C1708349, MONDO:0007648, OMIM 137215.

Allele frequency attached by ClinVar (database versions not stated): gnomAD exomes below 0.00001.
gnomAD v4.1: 4 of 1,614,216 alleles (0.00025%); highest among the groups gnomAD compares: Middle Eastern, 0.017%; no homozygotes.

Submissions (2):

Labcorp Genetics (formerly Invitae), Labcorp
Classification: Uncertain significance for Hereditary diffuse gastric adenocarcinoma. Last evaluated: 2024-03-06. Review status: criteria provided, single submitter. Criteria: Invitae Variant Classification Sherloc (09022015). Collection method: clinical testing. Allele origin: germline.
Comment: This sequence change replaces glutamic acid, which is acidic and polar, with aspartic acid, which is acidic and polar, at codon 512 of the CDH1 protein (p.Glu512Asp). This variant is not present in population databases (gnomAD no frequency). This variant has not been reported in the literature in individuals affected with CDH1-related conditions. ClinVar contains an entry for this variant (Variation ID: 819493). Algorithms developed to predict the effect of missense changes on protein structure and function output the following: SIFT: "Not Available"; PolyPhen-2: "Benign"; Align-GVGD: "Not Available". The aspartic acid amino acid residue is found in multiple mammalian species, which suggests that this missense change does not adversely affect protein function. In summary, the available evidence is currently insufficient to determine the role of this variant in disease. Therefore, it has been classified as a Variant of Uncertain Significance.

Ambry Genetics
Classification: Likely benign for Hereditary cancer-predisposing syndrome. Last evaluated: 2019-09-27. Review status: criteria provided, single submitter. Criteria: Ambry Variant Classification Scheme 2023. Collection method: clinical testing. Allele origin: germline.

NM_004360.5(CDH1):c.1536G>T (p.Glu512Asp)

Gene: CDH1 (cadherin 1; plus strand). Cytogenetic location: 16q22.1.
Variant type: single nucleotide variant.
Coding change: c.1536G>T on transcript NM_004360.5 (MANE Select); coding-DNA position 1536, G replaced by T.
Protein change: p.Glu512Asp; replaces glutamic acid 512 with aspartic acid.
Molecular consequence: missense variant. On other transcripts: 5 prime UTR variant (2).
Genome position (GRCh38, 1-based): chr16:68,815,730, G>T. VCF-style: chr16-68815730-G-T. GRCh37 (hg19) VCF-style: chr16-68849633-G-T.
Other names: c.1353G>T, p.Glu451Asp (NM_001317184.2); c.-13G>T (NM_001317185.2); c.-284G>T (NM_001317186.2); short protein forms E451D, E512D.
Identifiers: ClinVar variation 819493 (VCV000819493.10), dbSNP rs1597898279, ClinGen allele CA396463503.